The following is an entry in ClinVar:

ClinVar aggregate classification (germline): Uncertain significance. Review status: criteria provided, multiple submitters, no conflicts (2 of 4 stars). 2 submissions from 2 submitters: Uncertain significance (2). Last evaluated 2026-06-05.

Conditions:
Pheochromocytoma/paraganglioma syndrome 5. Also called: Paragangliomas 5; SDHA-Related Hereditary Paraganglioma-Pheochromocytoma Syndrome. Identifiers: Orphanet 29072, MedGen C3279992, MONDO:0013602, OMIM 614165.
Mitochondrial complex II deficiency, nuclear type 1. Also called: SUCCINATE CoQ REDUCTASE DEFICIENCY. Identifiers: Orphanet 3208, MedGen C5700310, MONDO:0100294, OMIM 252011.
Hereditary cancer-predisposing syndrome. Also called: Tumor predisposition; Neoplastic Syndromes, Hereditary; Hereditary Cancer Syndrome; Hereditary neoplastic syndrome. Identifiers: Orphanet 140162, MedGen C0027672, MeSH D009386, MONDO:0015356.

Allele frequency attached by ClinVar (database versions not stated): gnomAD exomes below 0.00001; ExAC 0.00001.
gnomAD v4.1: 1 of 1,614,010 alleles (0.000062%); highest among the groups gnomAD compares: East Asian, 0.0022%; no homozygotes.

Submissions (2):

Ambry Genetics
Classification: Uncertain significance for Hereditary cancer-predisposing syndrome. Last evaluated: 2026-06-05. Review status: criteria provided, single submitter. Criteria: Ambry Variant Classification Scheme 2023. Collection method: clinical testing. Allele origin: germline.
Comment: The p.G175R variant (also known as c.523G>A), located in coding exon 5 of the SDHA gene, results from a G to A substitution at nucleotide position 523. The glycine at codon 175 is replaced by arginine, an amino acid with dissimilar properties. This amino acid position is highly conserved in available vertebrate species. In addition, this alteration is predicted to be deleterious by in silico analysis. Based on the available evidence, the clinical significance of this variant remains unclear.

Labcorp Genetics (formerly Invitae), Labcorp
Classification: Uncertain significance for Pheochromocytoma/paraganglioma syndrome 5; Mitochondrial complex II deficiency, nuclear type 1. Last evaluated: 2025-04-21. Review status: criteria provided, single submitter. Criteria: Invitae Variant Classification Sherloc (09022015). Collection method: clinical testing. Allele origin: germline.
Comment: This sequence change replaces glycine, which is neutral and non-polar, with arginine, which is basic and polar, at codon 175 of the SDHA protein (p.Gly175Arg). This variant is present in population databases (rs753004001, gnomAD 0.006%). This variant has not been reported in the literature in individuals affected with SDHA-related conditions. ClinVar contains an entry for this variant (Variation ID: 647432). Invitae Evidence Modeling of protein sequence and biophysical properties (such as structural, functional, and spatial information, amino acid conservation, physicochemical variation, residue mobility, and thermodynamic stability) has been performed for this missense variant. However, the output from this modeling did not meet the statistical confidence thresholds required to predict the impact of this variant on SDHA protein function. In summary, the available evidence is currently insufficient to determine the role of this variant in disease. Therefore, it has been classified as a Variant of Uncertain Significance.

NM_004168.4(SDHA):c.523G>A (p.Gly175Arg)

Gene: SDHA (succinate dehydrogenase complex flavoprotein subunit A; plus strand). Cytogenetic location: 5p15.33.
Variant type: single nucleotide variant.
Coding change: c.523G>A on transcript NM_004168.4 (MANE Select); coding-DNA position 523, G replaced by A.
Protein change: p.Gly175Arg; replaces glycine 175 with arginine.
Molecular consequence: missense variant.
Genome position (GRCh38, 1-based): chr5:225,949, G>A. VCF-style: chr5-225949-G-A. GRCh37 (hg19) VCF-style: chr5-226064-G-A.
Other names: c.379G>A, p.Gly127Arg (NM_001294332.2); c.523G>A, p.Gly175Arg (NM_001330758.2); short protein forms G175R, G127R.
Identifiers: ClinVar variation 647432 (VCV000647432.12), dbSNP rs753004001, ClinGen allele CA3172868.